The following is an entry in ClinVar:

NM_198334.3(GANAB):c.973A>T (p.Ile325Leu)

Gene: GANAB (glucosidase II alpha subunit; minus strand). Cytogenetic location: 11q12.3.
Variant type: single nucleotide variant.
Coding change: c.973A>T on transcript NM_198334.3 (MANE Select); coding-DNA position 973, A replaced by T.
Protein change: p.Ile325Leu; replaces isoleucine 325 with leucine.
Molecular consequence: missense variant.
Genome position (GRCh38, 1-based): chr11:62,632,588, T>A on the plus strand (A>T on the coding strand, the complement: GANAB is on the minus strand). VCF-style: chr11-62632588-T-A. GRCh37 (hg19) VCF-style: chr11-62400060-T-A.
Other names: c.697A>T, p.Ile233Leu (NM_001278192.2); c.631A>T, p.Ile211Leu (NM_001278193.2); c.682A>T, p.Ile228Leu (NM_001278194.2, NM_001329222.2, NM_001329223.2); c.250A>T, p.Ile84Leu (NM_001329224.2, NM_001329225.2); c.1039A>T, p.Ile347Leu (NM_198335.4); short protein forms I211L, I228L, I233L, I325L, I347L, I84L.
Identifiers: ClinVar variation 4532086 (VCV004532086.1).

ClinVar aggregate classification (germline): Uncertain significance (1 of 4 stars; one submission).

Conditions:
Polycystic kidney disease 3 with or without polycystic liver disease. Also called: Polycystic kidney disease 3; POLYCYSTIC KIDNEY DISEASE, ADULT, TYPE III; Polycystic Kidney and/or Polycystic Liver Disease 3. Identifiers: MedGen C3887964, MONDO:0010916, OMIM 600666.

Submission:

Victorian Clinical Genetics Services, Murdoch Childrens Research Institute
Classification: Uncertain significance for Polycystic kidney disease 3 with or without polycystic liver disease. Last evaluated: 2025-03-25. Review status: criteria provided, single submitter. Criteria: ACMG Guidelines, 2015. Collection method: clinical testing. Allele origin: germline. Affected: yes.
Comment: This variant is classified as VUS-3B. Evidence in support of pathogenic classification: Variant is absent from gnomAD (v2, v3 and v4). Additional information: Variant is predicted to result in a missense amino acid change from isoleucine to leucine; This variant is heterozygous; This gene is associated with autosomal dominant disease; Alternative amino acid change(s) at the same position are present in gnomAD (highest allele count: v4: 6 heterozygote(s), 0 homozygote(s)) ; This variant has no previous evidence of pathogenicity; No published segregation evidence has been identified for this variant; No published functional evidence has been identified for this variant; No comparable missense variants have previous evidence for pathogenicity; Variant is located in the annotated N-terminal domain of glycosyl hydrolase family 31 (NCBI); Missense variant with inconclusive in silico prediction and uninformative conservation; Loss of function is a known mechanism of disease in this gene and is associated with polycystic kidney disease 3 (MIM#600666); Inheritance information for this variant is not currently available in this individual.